The following is an entry in ClinVar:

NM_000179.3(MSH6):c.3510_3513dup (p.Arg1172Ter)

Gene: MSH6 (mutS homolog 6; plus strand). Cytogenetic location: 2p16.3.
Variant type: Duplication.
Coding change: c.3510_3513dup on transcript NM_000179.3 (MANE Select); coding-DNA positions 3510 to 3513, 4 bases duplicated (TGAT; older notation c.3510_3513dupTGAT).
Protein change: p.Arg1172Ter; replaces arginine 1172 with a stop codon.
Molecular consequence: nonsense.
Genome position (GRCh38, 1-based): chr2:47,804,981-47,804,984, TGAT duplicated; duplicating any 4 consecutive bases within chr2:47,804,979-47,804,984 gives the same sequence; the c. name uses the placement nearest the transcript's 3' end. VCF-style (leftmost placement, unchanged base first): chr2-47804978-A-AATTG. GRCh37 (hg19) VCF-style: chr2-48032117-A-AATTG.
Other names: c.3510_3513dup (NM_000179.2); c.3120_3123dup, p.Arg1042Ter (NM_001281492.2); c.2604_2607dup, p.Arg870Ter (NM_001281493.2, NM_001281494.2); short protein forms R870*, R1042*, R1172*.
Identifiers: ClinVar variation 1451249 (VCV001451249.9), dbSNP rs2104507637, ClinGen allele CA2573134743.

ClinVar aggregate classification (germline): Pathogenic/Likely pathogenic. Review status: criteria provided, multiple submitters, no conflicts (2 of 4 stars). 4 submissions from 4 submitters: Pathogenic (3); Likely pathogenic (1). Last evaluated 2025-05-20.

Conditions:
Hereditary cancer-predisposing syndrome. Also called: Hereditary Cancer Syndrome; Hereditary neoplastic syndrome; Neoplastic Syndromes, Hereditary; Tumor predisposition. Identifiers: Orphanet 140162, MedGen C0027672, MeSH D009386, MONDO:0015356.
Lynch syndrome 5 (LYNCH5). Also called: Colorectal cancer, hereditary nonpolyposis, type 5; Hereditary non-polyposis colorectal cancer, type 5. Identifiers: Orphanet 144, MedGen C1833477, MONDO:0013710, OMIM 614350. Disease mechanism: loss of function.
Hereditary nonpolyposis colorectal neoplasms. Identifiers: MedGen C0009405, MeSH D003123.

Submissions (4):

Color Diagnostics, LLC DBA Color Health
Classification: Pathogenic for Hereditary cancer-predisposing syndrome. Last evaluated: 2025-05-20. Review status: criteria provided, single submitter. Criteria: ACMG Guidelines, 2015. Collection method: clinical testing. Allele origin: germline.
Comment: This variant inserts 4 nucleotides in exon 6 of the MSH6 gene, creating a frameshift and premature translation stop signal. This variant is expected to result in an absent or non-functional protein product. To our knowledge, this variant has not been reported in individuals affected with MSH6-related disorders in the literature. This variant has not been identified in the general population by the Genome Aggregation Database (gnomAD). Loss of MSH6 function is a known mechanism of disease. Based on the available evidence, this variant is classified as Pathogenic.

Labcorp Genetics (formerly Invitae), Labcorp
Classification: Pathogenic for Hereditary nonpolyposis colorectal neoplasms. Last evaluated: 2023-12-11. Review status: criteria provided, single submitter. Criteria: Invitae Variant Classification Sherloc (09022015). Collection method: clinical testing. Allele origin: germline.
Comment: This sequence change creates a premature translational stop signal (p.Arg1172*) in the MSH6 gene. It is expected to result in an absent or disrupted protein product. Loss-of-function variants in MSH6 are known to be pathogenic (PMID: 18269114, 24362816). This variant is not present in population databases (gnomAD no frequency). This variant has not been reported in the literature in individuals affected with MSH6-related conditions. ClinVar contains an entry for this variant (Variation ID: 1451249). Algorithms developed to predict the effect of sequence changes on RNA splicing suggest that this variant may disrupt the consensus splice site. For these reasons, this variant has been classified as Pathogenic.

Myriad Genetics, Inc.
Classification: Pathogenic for Lynch syndrome 5. Last evaluated: 2023-08-01. Review status: criteria provided, single submitter. Criteria: Myriad Autosomal Dominant, Autosomal Recessive and X-Linked Classification Criteria (2023). Collection method: clinical testing. Allele origin: unknown.
Comment: This variant is considered pathogenic. This variant creates a termination codon and is predicted to result in premature protein truncation.

Revvity Omics, Revvity
Classification: Likely pathogenic. Last evaluated: 2022-08-03. Review status: criteria provided, single submitter. Criteria: ACMG Guidelines, 2015. Collection method: clinical testing. Allele origin: germline.

Literature cited by the submitters: PubMed 18269114 (cited by Labcorp Genetics (formerly Invitae), Labcorp); PubMed 24362816 (cited by Labcorp Genetics (formerly Invitae), Labcorp).